The following is an entry in ClinVar:

NM_000057.4(BLM):c.3358G>C (p.Gly1120Arg)

Gene: BLM (BLM RecQ like helicase; plus strand). Cytogenetic location: 15q26.1.
Variant type: single nucleotide variant.
Coding change: c.3358G>C on transcript NM_000057.4 (MANE Select); coding-DNA position 3358, G replaced by C.
Protein change: p.Gly1120Arg; replaces glycine 1120 with arginine.
Molecular consequence: missense variant.
Genome position (GRCh38, 1-based): chr15:90,798,337, G>C. VCF-style: chr15-90798337-G-C. GRCh37 (hg19) VCF-style: chr15-91341567-G-C.
Other names: c.3358G>C, p.Gly1120Arg (NM_001287246.2); c.3358G>C, p.Glu1120Gln (NM_001287247.2); c.2233G>C, p.Gly745Arg (NM_001287248.2); short protein forms G1120R, G745R, E1120Q.
Identifiers: ClinVar variation 823657 (VCV000823657.11), dbSNP rs139773499, ClinGen allele CA393847414.

ClinVar aggregate classification (germline): Uncertain significance. Review status: criteria provided, multiple submitters, no conflicts (2 of 4 stars). 2 submissions from 2 submitters: Uncertain significance (2). Last evaluated 2024-12-15.

Conditions:
Hereditary cancer-predisposing syndrome. Also called: Neoplastic Syndromes, Hereditary; Tumor predisposition; Hereditary neoplastic syndrome; Hereditary Cancer Syndrome. Identifiers: Orphanet 140162, MedGen C0027672, MeSH D009386, MONDO:0015356.
Bloom syndrome (BLM). Also called: Bloom-Torre-Machacek syndrome. Identifiers: Orphanet 125, MedGen C0005859, MONDO:0008876, OMIM 210900.

gnomAD v4.1: 1 of 1,612,154 alleles (0.000062%); highest among the groups gnomAD compares: Non-Finnish European, 0.000085%; no homozygotes.

Submissions (2):

Labcorp Genetics (formerly Invitae), Labcorp
Classification: Uncertain significance for Bloom syndrome. Last evaluated: 2024-12-15. Review status: criteria provided, single submitter. Criteria: Invitae Variant Classification Sherloc (09022015). Collection method: clinical testing. Allele origin: germline.
Comment: This sequence change replaces glycine, which is neutral and non-polar, with arginine, which is basic and polar, at codon 1120 of the BLM protein (p.Gly1120Arg). This variant also falls at the last nucleotide of exon 17, which is part of the consensus splice site for this exon. This variant is not present in population databases (gnomAD no frequency). This variant has not been reported in the literature in individuals affected with BLM-related conditions. ClinVar contains an entry for this variant (Variation ID: 823657). An algorithm developed to predict the effect of missense changes on protein structure and function (PolyPhen-2) suggests that this variant is likely to be disruptive. Experimental studies are conflicting or provide insufficient evidence to determine the effect of this variant on BLM function (PMID: 23129629, 26788541). Variants that disrupt the consensus splice site are a relatively common cause of aberrant splicing (PMID: 17576681, 9536098). In summary, the available evidence is currently insufficient to determine the role of this variant in disease. Therefore, it has been classified as a Variant of Uncertain Significance.

Ambry Genetics
Classification: Uncertain significance for Hereditary cancer-predisposing syndrome. Last evaluated: 2022-06-10. Review status: criteria provided, single submitter. Criteria: Ambry Variant Classification Scheme 2023. Collection method: clinical testing. Allele origin: germline.
Comment: The c.3358G>C variant (also known as p.G1120R), located in coding exon 16 of the BLM gene, results from a G to C substitution at nucleotide position 3358. The amino acid change results in glycine to arginine at codon 1120, an amino acid with dissimilar properties. However, this change occurs in the last base pair of coding exon 16, which makes it likely to have some effect on normal mRNA splicing. Functional studies found p.G1120R to be partially deficient with respect to chromosome abnormalities and response and sensitivity to DNA damaging agents (Mirzaei H et al. Proc. Natl. Acad. Sci. U.S.A., 2012 Nov;109:19357-62; Shastri VM et al. Mol Genet Genomic Med, 2016 Jan;4:106-19). This nucleotide position is highly conserved in available vertebrate species. In silico splice site analysis predicts that this alteration will not have any significant effect on splicing. This amino acid position is highly conserved in available vertebrate species. In addition, as a missense substitution this is predicted to be tolerated by in silico analysis. Since supporting evidence is limited at this time, the clinical significance of this alteration remains unclear.

Literature cited by the submitters: PubMed 23129629 (cited by Labcorp Genetics (formerly Invitae), Labcorp and Ambry Genetics); PubMed 26788541 (cited by Labcorp Genetics (formerly Invitae), Labcorp and Ambry Genetics); PubMed 17576681 (cited by Labcorp Genetics (formerly Invitae), Labcorp); PubMed 9536098 (cited by Labcorp Genetics (formerly Invitae), Labcorp).